The following is an entry in ClinVar:

NM_002734.5(PRKAR1A):c.276A>T (p.Lys92Asn)

Gene: PRKAR1A (protein kinase cAMP-dependent type I regulatory subunit alpha; plus strand). Cytogenetic location: 17q24.2.
Variant type: single nucleotide variant.
Coding change: c.276A>T on transcript NM_002734.5 (MANE Select); coding-DNA position 276, A replaced by T.
Protein change: p.Lys92Asn; replaces lysine 92 with asparagine.
Molecular consequence: missense variant.
Genome position (GRCh38, 1-based): chr17:68,522,854, A>T. VCF-style: chr17-68522854-A-T. GRCh37 (hg19) VCF-style: chr17-66518995-A-T.
Other names: c.276A>T, p.Lys92Asn (NM_001276289.2, NM_001276290.1, NM_001278433.2 and 4 more transcripts); short protein forms K92N.
Identifiers: ClinVar variation 3783307 (VCV003783307.1).

ClinVar aggregate classification (germline): Uncertain significance (1 of 4 stars; one submission).

Conditions:
Hereditary cancer-predisposing syndrome. Also called: Neoplastic Syndromes, Hereditary; Hereditary Cancer Syndrome; Tumor predisposition; Hereditary neoplastic syndrome. Identifiers: Orphanet 140162, MedGen C0027672, MeSH D009386, MONDO:0015356.

Submission:

Ambry Genetics
Classification: Uncertain significance for Hereditary cancer-predisposing syndrome. Last evaluated: 2024-12-20. Review status: criteria provided, single submitter. Criteria: Ambry Variant Classification Scheme 2023. Collection method: clinical testing. Allele origin: germline.
Comment: The p.K92N variant (also known as c.276A>T), located in coding exon 2 of the PRKAR1A gene, results from an A to T substitution at nucleotide position 276. The lysine at codon 92 is replaced by asparagine, an amino acid with similar properties. This amino acid position is conserved. In addition, the in silico prediction for this alteration is inconclusive. Based on the available evidence, the clinical significance of this variant remains unclear.